The following is an entry in ClinVar:

ClinVar aggregate classification (germline): Likely benign. Review status: criteria provided, multiple submitters, no conflicts (2 of 4 stars). 2 submissions from 2 submitters: Likely benign (2). Last evaluated 2025-08-01.

Conditions:
Adams-Oliver syndrome 5 (AOS5). Identifiers: Orphanet 974, MedGen C4014970, MONDO:0014459, OMIM 616028.

gnomAD v4.1: 8 of 1,597,160 alleles (0.0005%); highest among the groups gnomAD compares: Admixed American, 0.0067%; no homozygotes.

Submissions (2):

CeGaT Center for Human Genetics Tuebingen
Classification: Likely benign. Last evaluated: 2025-08-01. Review status: criteria provided, single submitter. Criteria: CeGaT Center For Human Genetics Tuebingen Variant Classification Criteria Version 2. Collection method: clinical testing. Allele origin: germline. Affected: yes. Observed: 1 variant allele.
Comment: NOTCH1: BP4

Labcorp Genetics (formerly Invitae), Labcorp
Classification: Likely benign for Adams-Oliver syndrome 5. Last evaluated: 2025-04-11. Review status: criteria provided, single submitter. Criteria: Invitae Variant Classification Sherloc (09022015). Collection method: clinical testing. Allele origin: germline.

NM_017617.5(NOTCH1):c.5661C>T (p.Ile1887=)

Gene: NOTCH1 (notch receptor 1; minus strand). Cytogenetic location: 9q34.3.
Variant type: single nucleotide variant.
Coding change: c.5661C>T on transcript NM_017617.5 (MANE Select); coding-DNA position 5661, C replaced by T.
Protein change: p.Ile1887=; no amino-acid change (isoleucine 1887 retained).
Molecular consequence: synonymous variant.
Genome position (GRCh38, 1-based): chr9:136,500,825, G>A on the plus strand (C>T on the coding strand, the complement: NOTCH1 is on the minus strand). VCF-style: chr9-136500825-G-A. GRCh37 (hg19) VCF-style: chr9-139395277-G-A.
Identifiers: ClinVar variation 697548 (VCV000697548.17), dbSNP rs750185397, ClinGen allele CA5340159.
Genomic context (GRCh38, chr9:136,500,825, plus strand): 5'-CGGCGCGTCCTCCTCTTCCTCGCTGTTGCCCGTCTCCAGGCCGCCCCCGCTGCAGGAGGC[G>A]ATCATGAGCGGGGTGAAGCCATCTGCAGAGGCAGAGACGGGTGCTCAGTCTGGAGGGCCG-3'
Protein context (NP_060087.3, residues 1877-1897): RGPDGFTPLM[Ile1887=]ASCSGGGLET